The following is an entry in ClinVar:

ClinVar aggregate classification (germline): Uncertain significance (1 of 4 stars; one submission).

gnomAD v4.1: 42 of 1,606,218 alleles (0.0026%); highest among the groups gnomAD compares: Middle Eastern, 0.017%; no homozygotes.

Submission:

GeneDx
Classification: Uncertain significance. Last evaluated: 2024-08-25. Review status: criteria provided, single submitter. Criteria: GeneDx Variant Classification Process June 2021. Collection method: clinical testing. Allele origin: germline. Affected: yes.
Comment: In silico analysis supports that this missense variant has a deleterious effect on protein structure/function; Has not been previously published as pathogenic or benign to our knowledge

NM_015705.6(SGSM3):c.1489G>A (p.Asp497Asn)

Gene: SGSM3 (small G protein signaling modulator 3; plus strand). Cytogenetic location: 22q13.1.
Variant type: single nucleotide variant.
Coding change: c.1489G>A on transcript NM_015705.6 (MANE Select); coding-DNA position 1489, G replaced by A.
Protein change: p.Asp497Asn; replaces aspartic acid 497 with asparagine.
Molecular consequence: missense variant. On other transcripts: non-coding transcript variant (4).
Genome position (GRCh38, 1-based): chr22:40,407,533, G>A. VCF-style: chr22-40407533-G-A. GRCh37 (hg19) VCF-style: chr22-40803537-G-A.
Other names: c.1300G>A, p.Asp434Asn (NM_001301849.2, NM_001350042.2, NM_001350044.2 and 1 more transcripts); c.1489G>A, p.Asp497Asn (NM_001350039.2, NM_001350040.2, NM_001350041.2); c.1288G>A, p.Asp430Asn (NM_001350043.2, NM_001350046.2, NM_001350047.2); c.991G>A, p.Asp331Asn (NM_001350048.2); short protein forms D331N, D430N, D434N, D497N.
Identifiers: ClinVar variation 3766253 (VCV003766253.1).